The following is an entry in ClinVar:

ClinVar aggregate classification (germline): Pathogenic (1 of 4 stars; one submission).

Submission:

Labcorp Genetics (formerly Invitae), Labcorp
Classification: Pathogenic. Last evaluated: 2025-02-04. Review status: criteria provided, single submitter. Criteria: Invitae Variant Classification Sherloc (09022015). Collection method: clinical testing. Allele origin: germline.
Comment: This sequence change creates a premature translational stop signal (p.Gln1270*) in the C3 gene. It is expected to result in an absent or disrupted protein product. Loss-of-function variants in C3 are known to be pathogenic (PMID: 12462331, 14639503, 21501302). This variant is not present in population databases (gnomAD no frequency). This variant has not been reported in the literature in individuals affected with C3-related conditions. Algorithms developed to predict the effect of sequence changes on RNA splicing suggest that this variant may disrupt the consensus splice site. For these reasons, this variant has been classified as Pathogenic.

Literature cited by the submitters: PubMed 12462331; PubMed 14639503; PubMed 21501302.

NM_000064.4(C3):c.3808C>T (p.Gln1270Ter)

Gene: C3 (complement C3; minus strand). Cytogenetic location: 19p13.3.
Variant type: single nucleotide variant.
Coding change: c.3808C>T on transcript NM_000064.4 (MANE Select); coding-DNA position 3808, C replaced by T.
Protein change: p.Gln1270Ter; replaces glutamine 1270 with a stop codon.
Molecular consequence: nonsense.
Genome position (GRCh38, 1-based): chr19:6,686,126, G>A on the plus strand (C>T on the coding strand, the complement: C3 is on the minus strand). VCF-style: chr19-6686126-G-A. GRCh37 (hg19) VCF-style: chr19-6686137-G-A.
Other names: short protein forms Q1270*.
Identifiers: ClinVar variation 4700265 (VCV004700265.1).